The following is an entry in ClinVar:

NM_001144967.3(NEDD4L):c.151G>A (p.Val51Ile)

Gene: NEDD4L (NEDD4 like E3 ubiquitin protein ligase; plus strand). Cytogenetic location: 18q21.31.
Variant type: single nucleotide variant.
Coding change: c.151G>A on transcript NM_001144967.3 (MANE Select); coding-DNA position 151, G replaced by A.
Protein change: p.Val51Ile; replaces valine 51 with isoleucine.
Molecular consequence: missense variant. On other transcripts: 5 prime UTR variant (5).
Genome position (GRCh38, 1-based): chr18:58,245,455, G>A. VCF-style: chr18-58245455-G-A. GRCh37 (hg19) VCF-style: chr18-55912687-G-A.
Other names: c.-213G>A (NM_001144964.1, NM_001144965.2, NM_001144966.3 and 2 more transcripts); c.127G>A, p.Val43Ile (NM_001144968.2, NM_001144969.2); c.151G>A, p.Val51Ile (NM_001243960.2, NM_015277.6); short protein forms V43I, V51I.
Identifiers: ClinVar variation 646937 (VCV000646937.1), dbSNP rs1600177605, ClinGen allele CA402715621.
Genomic context (GRCh38, chr18:58,245,455, plus strand): 5'-AATCCTATTAAATCTAAAATATTTTCTTACAGTGATCCGTATGTGAAACTTTCATTGTAC[G>A]TAGCGGATGAGAATAGAGAACTTGCTTTGGTCCAGACAAAAACAATTAAAAAGGTAGGTG-3'
Protein context (NP_001138439.1, residues 41-61): SDPYVKLSLY[Val51Ile]ADENRELALV

ClinVar aggregate classification (germline): Uncertain significance (1 of 4 stars; one submission).

Allele frequency attached by ClinVar (database versions not stated): gnomAD exomes below 0.00001.
gnomAD v4.1: 3 of 1,576,822 alleles (0.00019%); highest among the groups gnomAD compares: Non-Finnish European, 0.00026%; no homozygotes.

Submission:

Labcorp Genetics (formerly Invitae), Labcorp
Classification: Uncertain significance. Last evaluated: 2018-12-28. Review status: criteria provided, single submitter. Criteria: Invitae Variant Classification Sherloc (09022015). Collection method: clinical testing. Allele origin: germline.
Comment: This sequence change replaces valine with isoleucine at codon 51 of the NEDD4L protein (p.Val51Ile). The valine residue is moderately conserved and there is a small physicochemical difference between valine and isoleucine. This variant is not present in population databases (ExAC no frequency). This variant has not been reported in the literature in individuals with NEDD4L-related conditions. Algorithms developed to predict the effect of missense changes on protein structure and function (SIFT, PolyPhen-2, Align-GVGD) all suggest that this variant is likely to be tolerated, but these predictions have not been confirmed by published functional studies and their clinical significance is uncertain. In summary, the available evidence is currently insufficient to determine the role of this variant in disease. Therefore, it has been classified as a Variant of Uncertain Significance.